The following is an entry in ClinVar:

NM_014112.5(TRPS1):c.2469C>G (p.Ser823Arg)

Gene: TRPS1 (transcriptional repressor GATA binding 1; minus strand). Cytogenetic location: 8q23.3.
Variant type: single nucleotide variant.
Coding change: c.2469C>G on transcript NM_014112.5 (MANE Select); coding-DNA position 2469, C replaced by G.
Protein change: p.Ser823Arg; replaces serine 823 with arginine.
Molecular consequence: missense variant.
Genome position (GRCh38, 1-based): chr8:115,587,232, G>C on the plus strand (C>G on the coding strand, the complement: TRPS1 is on the minus strand). VCF-style: chr8-115587232-G-C. GRCh37 (hg19) VCF-style: chr8-116599459-G-C.
Other names: c.2442C>G, p.Ser814Arg (NM_001282902.3); c.2448C>G, p.Ser816Arg (NM_001282903.3); c.2430C>G, p.Ser810Arg (NM_001330599.2); short protein forms S810R, S814R, S816R, S823R.
Identifiers: ClinVar variation 2935769 (VCV002935769.3), dbSNP rs1817582532, ClinGen allele CA372065039.

ClinVar aggregate classification (germline): Uncertain significance (1 of 4 stars; one submission).

Conditions:
Trichorhinophalangeal dysplasia type I (TRPS1). Also called: TRICHORHINOPHALANGEAL SYNDROME, TYPE I; TRPS I. Identifiers: Orphanet 77258, MedGen C0432233, MONDO:0008596, OMIM 190350.
Trichorhinophalangeal syndrome, type III (TRPS3). Also called: SUGIO-KAJII SYNDROME. Identifiers: Orphanet 77258, MedGen C1860823, OMIM 190351, MONDO:0008597.

Submission:

Labcorp Genetics (formerly Invitae), Labcorp
Classification: Uncertain significance for Trichorhinophalangeal syndrome, type III; Trichorhinophalangeal dysplasia type I. Last evaluated: 2023-04-22. Review status: criteria provided, single submitter. Criteria: Invitae Variant Classification Sherloc (09022015). Collection method: clinical testing. Allele origin: germline.
Comment: This variant is not present in population databases (gnomAD no frequency). This variant has not been reported in the literature in individuals affected with TRPS1-related conditions. Advanced modeling of protein sequence and biophysical properties (such as structural, functional, and spatial information, amino acid conservation, physicochemical variation, residue mobility, and thermodynamic stability) performed at Invitae indicates that this missense variant is not expected to disrupt TRPS1 protein function. In summary, the available evidence is currently insufficient to determine the role of this variant in disease. Therefore, it has been classified as a Variant of Uncertain Significance. This sequence change replaces serine, which is neutral and polar, with arginine, which is basic and polar, at codon 823 of the TRPS1 protein (p.Ser823Arg).